The following is an entry in ClinVar:

NM_001424.6(EMP2):c.383C>A (p.Ala128Glu)

Gene: EMP2 (epithelial membrane protein 2; minus strand). Cytogenetic location: 16p13.13.
Variant type: single nucleotide variant.
Coding change: c.383C>A on transcript NM_001424.6 (MANE Select); coding-DNA position 383, C replaced by A.
Protein change: p.Ala128Glu; replaces alanine 128 with glutamic acid.
Molecular consequence: missense variant.
Genome position (GRCh38, 1-based): chr16:10,533,026, G>T on the plus strand (C>A on the coding strand, the complement: EMP2 is on the minus strand). VCF-style: chr16-10533026-G-T. GRCh37 (hg19) VCF-style: chr16-10626883-G-T.
Other names: short protein forms A128E.
Identifiers: ClinVar variation 1928050 (VCV001928050.5), dbSNP rs373205953, ClinGen allele CA394716193.

ClinVar aggregate classification (germline): Uncertain significance (1 of 4 stars; one submission).

gnomAD v4.1: 2 of 1,611,092 alleles (0.00012%); highest among the groups gnomAD compares: Non-Finnish European, 0.00017%; no homozygotes.

Submission:

Labcorp Genetics (formerly Invitae), Labcorp
Classification: Uncertain significance. Last evaluated: 2022-05-04. Review status: criteria provided, single submitter. Criteria: Invitae Variant Classification Sherloc (09022015). Collection method: clinical testing. Allele origin: germline.
Comment: This variant has not been reported in the literature in individuals affected with EMP2-related conditions. Algorithms developed to predict the effect of missense changes on protein structure and function output the following: SIFT: "Tolerated"; PolyPhen-2: "Benign"; Align-GVGD: "Class C0". The glutamic acid amino acid residue is found in multiple mammalian species, which suggests that this missense change does not adversely affect protein function. This variant is not present in population databases (gnomAD no frequency). This sequence change replaces alanine, which is neutral and non-polar, with glutamic acid, which is acidic and polar, at codon 128 of the EMP2 protein (p.Ala128Glu). In summary, the available evidence is currently insufficient to determine the role of this variant in disease. Therefore, it has been classified as a Variant of Uncertain Significance.